The following is an entry in ClinVar:

NM_003242.6(TGFBR2):c.666T>C (p.Asp222=)

Gene: TGFBR2 (transforming growth factor beta receptor 2; plus strand). Cytogenetic location: 3p24.1.
Variant type: single nucleotide variant.
Coding change: c.666T>C on transcript NM_003242.6 (MANE Select); coding-DNA position 666, T replaced by C.
Protein change: p.Asp222=; no amino-acid change (aspartic acid 222 retained).
Molecular consequence: synonymous variant. On other transcripts: intron variant (1).
Genome position (GRCh38, 1-based): chr3:30,671,849, T>C. VCF-style: chr3-30671849-T-C. GRCh37 (hg19) VCF-style: chr3-30713341-T-C.
Other names: c.741T>C, p.Asp247= (NM_001024847.3); c.849T>C, p.Asp283= (NM_001407126.1); c.774T>C, p.Asp258= (NM_001407127.1); c.693T>C, p.Asp231= (NM_001407128.1); c.669T>C, p.Asp223= (NM_001407129.1); c.666T>C, p.Asp222= (NM_001407130.1); c.561T>C, p.Asp187= (NM_001407132.1, NM_001407133.1, NM_001407134.1 and 2 more transcripts); c.381T>C, p.Asp127= (NM_001407137.1); and 2 more.
Identifiers: ClinVar variation 705654 (VCV000705654.14), dbSNP rs755404252, ClinGen allele CA049576.

ClinVar aggregate classification (germline): Likely benign. Review status: criteria provided, multiple submitters, no conflicts (2 of 4 stars). 4 submissions from 4 submitters: Likely benign (4). Last evaluated 2025-05-19.

Conditions:
Familial thoracic aortic aneurysm and aortic dissection (TAAD). Also called: Thoracic aortic aneurysms and dissections. Identifiers: Orphanet 91387, MedGen C4707243, MONDO:0019625.
Loeys-Dietz syndrome 2 (LDS2). Also called: Marfan Syndrome type 2; Marfan like connective tissue disorder; MFS 2; AORTIC ANEURYSM, FAMILIAL THORACIC 3; MARFAN SYNDROME, TYPE II; Marfan syndrome, type 2 (formerly). Identifiers: Orphanet 284973, Orphanet 558, MedGen C2674574, MONDO:0012427, OMIM 610168.

Allele frequency attached by ClinVar (database versions not stated): gnomAD 0.00001 and 0.00003; TOPMed 0.00002; gnomAD exomes 0.00003 and 0.00008; ExAC 0.00007.
gnomAD v4.1: 47 of 1,614,086 alleles (0.0029%); highest among the groups gnomAD compares: South Asian, 0.047%; 2 homozygotes.

Submissions (4):

Labcorp Genetics (formerly Invitae), Labcorp
Classification: Likely benign for Familial thoracic aortic aneurysm and aortic dissection. Last evaluated: 2025-05-19. Review status: criteria provided, single submitter. Criteria: Invitae Variant Classification Sherloc (09022015). Collection method: clinical testing. Allele origin: germline.

All of Us Research Program, National Institutes of Health
Classification: Likely benign for Loeys-Dietz syndrome 2. Last evaluated: 2024-07-10. Review status: criteria provided, single submitter. Criteria: ACMG Guidelines, 2015. Collection method: clinical testing. Allele origin: germline. Inheritance: Autosomal dominant inheritance. Observed: 2 variant alleles, 2 heterozygotes.
Comment: This study involves interpretation of variants in research participants for the purpose of population health screening. Participant phenotype was not available at the time of variant classification. Additional details can be found in publication PMID: 35346344, PMCID: PMC8962531

Ambry Genetics
Classification: Likely benign for Familial thoracic aortic aneurysm and aortic dissection. Last evaluated: 2023-10-12. Review status: criteria provided, single submitter. Criteria: Ambry Variant Classification Scheme 2023. Collection method: clinical testing. Allele origin: germline.

Color Diagnostics, LLC DBA Color Health
Classification: Likely benign for Familial thoracic aortic aneurysm and aortic dissection. Last evaluated: 2018-10-21. Review status: criteria provided, single submitter. Criteria: ACMG Guidelines, 2015. Collection method: clinical testing. Allele origin: germline.